The following is an entry in ClinVar:

NM_004484.4(GPC3):c.1105G>A (p.Asp369Asn)

Gene: GPC3 (glypican 3; minus strand). Cytogenetic location: Xq26.2.
Variant type: single nucleotide variant.
Coding change: c.1105G>A on transcript NM_004484.4 (MANE Select); coding-DNA position 1105, G replaced by A.
Protein change: p.Asp369Asn; replaces aspartic acid 369 with asparagine.
Molecular consequence: missense variant.
Genome position (GRCh38, 1-based): chrX:133,699,956, C>T on the plus strand (G>A on the coding strand, the complement: GPC3 is on the minus strand). VCF-style: chrX-133699956-C-T. GRCh37 (hg19) VCF-style: chrX-132833984-C-T.
Other names: c.1174G>A, p.Asp392Asn (NM_001164617.2); c.1057G>A, p.Asp353Asn (NM_001164618.2); c.943G>A, p.Asp315Asn (NM_001164619.2); short protein forms D392N, D315N, D353N, D369N.
Identifiers: ClinVar variation 2134139 (VCV002134139.4), dbSNP rs2521160991, ClinGen allele CA414699771.

ClinVar aggregate classification (germline): Uncertain significance (1 of 4 stars; one submission).

Conditions:
Wilms tumor 1 (WT1). Also called: Wilms tumor, somatic. Identifiers: Orphanet 654, MedGen CN033288, MONDO:0008679, OMIM 194070.

Submission:

Labcorp Genetics (formerly Invitae), Labcorp
Classification: Uncertain significance for Wilms tumor 1. Last evaluated: 2022-05-05. Review status: criteria provided, single submitter. Criteria: Invitae Variant Classification Sherloc (09022015). Collection method: clinical testing. Allele origin: germline.
Comment: In summary, the available evidence is currently insufficient to determine the role of this variant in disease. Therefore, it has been classified as a Variant of Uncertain Significance. Algorithms developed to predict the effect of missense changes on protein structure and function are either unavailable or do not agree on the potential impact of this missense change (SIFT: "Tolerated"; PolyPhen-2: "Possibly Damaging"; Align-GVGD: "Class C0"). This variant has not been reported in the literature in individuals affected with GPC3-related conditions. This variant is not present in population databases (gnomAD no frequency). This sequence change replaces aspartic acid, which is acidic and polar, with asparagine, which is neutral and polar, at codon 369 of the GPC3 protein (p.Asp369Asn).